The following is an entry in ClinVar:

ClinVar aggregate classification (germline): Likely pathogenic (1 of 4 stars; one submission).

Conditions:
DOK7-related disorder. Also called: DOK7-related condition.

Submission:

PreventionGenetics, part of Exact Sciences
Classification: Likely pathogenic for DOK7-related condition. Last evaluated: 2023-05-25. Review status: criteria provided, single submitter. Criteria: ACMG Guidelines, 2015. Collection method: clinical testing. Allele origin: germline.
Comment: The DOK7 c.1330_1361del32 variant is predicted to result in a frameshift and premature protein termination (p.Ser444Glyfs*64). To our knowledge, this variant has not been reported in the literature or in a large population database, indicating this variant is rare. Frameshift variants in DOK7 are expected to be pathogenic. This variant is interpreted as likely pathogenic.

NM_173660.5(DOK7):c.1330_1361del (p.Ser444fs)

Gene: DOK7 (docking protein 7; plus strand). Cytogenetic location: 4p16.3.
Variant type: Deletion.
Coding change: c.1330_1361del on transcript NM_173660.5 (MANE Select); coding-DNA positions 1330 to 1361, 32 bases deleted.
Protein change: p.Ser444fs; shifts the reading frame from serine 444.
Molecular consequence: frameshift variant. On other transcripts: 3 prime UTR variant (1).
Genome position (GRCh38, 1-based): chr4:3,493,316-3,493,347, 32 bases deleted. GRCh37 (hg19): chr4:3,495,043-3,495,074.
Other names: c.*551_*582del (NM_001164673.2); c.400_431del, p.Ser134fs (NM_001256896.2); c.1330_1361del, p.Ser444fs (NM_001301071.2); c.898_929del, p.Ser300fs (NM_001363811.2); short protein forms S134fs, S300fs, S444fs.
Identifiers: ClinVar variation 2632196 (VCV002632196.1), dbSNP rs2475116151, ClinGen allele CA2695199359.
Genomic context (GRCh38, chr4:3,493,315, plus strand): 5'-GGGCAGCCCCGGCAACAGTGCGGCCAGGGACTCAGGCGGCCAGACGTCCGCCGGGTGTCC[CTCTGGCTGGCTGGGCACGAGACGGCGGGGCCT>C]GGTGATGGAGGCCCCCCAGGGCAGCGAGGCCACACTGCCTGGCCCTGCCCCTGGCGAGCC-3'